The following is an entry in ClinVar:

ClinVar aggregate classification (germline): Conflicting classifications of pathogenicity. Review status: criteria provided, conflicting classifications (1 of 4 stars). 5 submissions from 5 submitters: Uncertain significance (2); Benign (2). 1 of the submissions does not count toward it. Last evaluated 2026-01-26.

Conditions:
EGFR-related disorder. Also called: EGFR-related condition.
EGFR-related lung cancer (EGFR). Identifiers: MedGen CN130014.
Hereditary cancer-predisposing syndrome. Also called: Tumor predisposition; Neoplastic Syndromes, Hereditary; Hereditary neoplastic syndrome; Hereditary Cancer Syndrome. Identifiers: Orphanet 140162, MedGen C0027672, MeSH D009386, MONDO:0015356.
Ovarian cancer. Also called: OVARIAN CANCER, SOMATIC. Identifiers: Orphanet 213500, MedGen C1140680, MONDO:0008170, OMIM 167000.

Allele frequency attached by ClinVar (database versions not stated): TOPMed 0.00009; gnomAD exomes 0.00011; 1000 Genomes Project 30x 0.00016.
gnomAD v4.1: 23 of 1,518,122 alleles (0.0015%); highest among the groups gnomAD compares: East Asian, 0.039%; no homozygotes.

Submissions (5):

Labcorp Genetics (formerly Invitae), Labcorp
Classification: Uncertain significance for EGFR-related lung cancer. Last evaluated: 2026-01-26. Review status: criteria provided, single submitter. Criteria: Invitae Variant Classification Sherloc (09022015). Collection method: clinical testing. Allele origin: germline.
Comment: This sequence change replaces alanine, which is neutral and non-polar, with threonine, which is neutral and polar, at codon 21 of the EGFR protein (p.Ala21Thr). The frequency data for this variant in the population databases is considered unreliable, as metrics indicate poor data quality at this position in the gnomAD database. This variant has not been reported in the literature in individuals affected with EGFR-related conditions. ClinVar contains an entry for this variant (Variation ID: 848579). An algorithm developed to predict the effect of missense changes on protein structure and function (PolyPhen-2) suggests that this variant is likely to be disruptive. In summary, the available evidence is currently insufficient to determine the role of this variant in disease. Therefore, it has been classified as a Variant of Uncertain Significance.

Ambry Genetics
Classification: Benign for Hereditary cancer-predisposing syndrome. Last evaluated: 2024-10-28. Review status: criteria provided, single submitter. Criteria: Ambry Variant Classification Scheme 2023. Collection method: clinical testing. Allele origin: germline.

Laboratory of Molecular Epidemiology of Birth Defects, West China Second University Hospital, Sichuan University
Classification: Benign for Ovarian cancer. Last evaluated: 2022-01-01. Review status: criteria provided, single submitter. Criteria: ACMG Guidelines, 2015. Collection method: clinical testing. Allele origin: germline. Affected: yes.

Revvity Omics, Revvity
Classification: Uncertain significance. Last evaluated: 2021-10-27. Review status: criteria provided, single submitter. Criteria: ACMG Guidelines, 2015. Collection method: clinical testing. Allele origin: germline.

PreventionGenetics, part of Exact Sciences
Classification: Likely benign for EGFR-related condition. Last evaluated: 2024-07-31. Review status: no assertion criteria provided. Collection method: clinical testing. Allele origin: germline. Not counted in ClinVar's aggregate classification.
Comment: This variant is classified as likely benign based on ACMG/AMP sequence variant interpretation guidelines (Richards et al. 2015 PMID: 25741868, with internal and published modifications).

NM_005228.5(EGFR):c.61G>A (p.Ala21Thr)

Gene: EGFR (epidermal growth factor receptor; plus strand). Cytogenetic location: 7p11.2.
Variant type: single nucleotide variant.
Coding change: c.61G>A on transcript NM_005228.5 (MANE Select); coding-DNA position 61, G replaced by A.
Protein change: p.Ala21Thr; replaces alanine 21 with threonine.
Molecular consequence: missense variant.
Genome position (GRCh38, 1-based): chr7:55,019,338, G>A. VCF-style: chr7-55019338-G-A. GRCh37 (hg19) VCF-style: chr7-55087031-G-A.
Other names: c.61G>A (NM_005228.4); c.61G>A, p.Ala21Thr (NM_001346897.2, NM_001346898.2, NM_001346899.2 and 4 more transcripts); short protein forms A21T.
Identifiers: ClinVar variation 848579 (VCV000848579.14), dbSNP rs373129709, ClinGen allele CA4265111.